The following is an entry in ClinVar:

ClinVar aggregate classification (germline): Uncertain significance (1 of 4 stars; one submission).

Conditions:
Neurofibromatosis, type 2 (SWNV). Also called: NF2-Related Schwannomatosis; BILATERAL ACOUSTIC NEUROFIBROMATOSIS; SCHWANNOMATOSIS, VESTIBULAR. Identifiers: Orphanet 637, MedGen C0027832, MONDO:0007039, OMIM 101000. Disease mechanism: loss of function.

Submission:

Helix
Classification: Uncertain significance for Neurofibromatosis, type 2. Last evaluated: 2026-03-16. Review status: criteria provided, single submitter. Criteria: ACMG Guidelines, 2015. Collection method: clinical testing. Allele origin: germline. Inheritance: Autosomal dominant inheritance.
Comment: This variant (NM_000268.4:c.7G>A p.Gly3Arg) results in the substitution of glycine with arginine at codon 3 in the NF2 protein. It is a rare variant that is absent from the large gnomAD population database (PMID: 32461654). To our knowledge, this variant has not been reported in individuals with NF2-related conditions in the published literature. In silico prediction from REVEL (PMID: 27666373) is indeterminate. In conclusion, since the available evidence is limited, the clinical significance of this variant is unclear at this time. Therefore, it is classified as a Variant of Uncertain Significance.

NM_000268.4(NF2):c.7G>A (p.Gly3Arg)

Gene: NF2 (NF2, moesin-ezrin-radixin like (MERLIN) tumor suppressor; plus strand). Cytogenetic location: 22q12.2.
Variant type: single nucleotide variant.
Coding change: c.7G>A on transcript NM_000268.4 (MANE Select); coding-DNA position 7, G replaced by A.
Protein change: p.Gly3Arg; replaces glycine 3 with arginine.
Molecular consequence: missense variant. On other transcripts: 5 prime UTR variant (4), non-coding transcript variant (1).
Genome position (GRCh38, 1-based): chr22:29,604,005, G>A. VCF-style: chr22-29604005-G-A. GRCh37 (hg19) VCF-style: chr22-29999994-G-A.
Other names: c.-224G>A (NM_001407053.1, NM_001407056.1); c.7G>A, p.Gly3Arg (NM_001407054.1, NM_001407055.1, NM_001407057.1 and 15 more transcripts); c.-634G>A (NM_001407065.1); c.-250G>A (NM_001407067.1); short protein forms G3R.
Identifiers: ClinVar variation 4890833 (VCV004890833.1).